The following is an entry in ClinVar:

ClinVar aggregate classification (germline): Uncertain significance (1 of 4 stars; one submission).

Conditions:
ANKRD1-related dilated cardiomyopathy. Identifiers: MedGen CN119551.

Submission:

Labcorp Genetics (formerly Invitae), Labcorp
Classification: Uncertain significance for ANKRD1-related dilated cardiomyopathy. Last evaluated: 2023-07-28. Review status: criteria provided, single submitter. Criteria: Invitae Variant Classification Sherloc (09022015). Collection method: clinical testing. Allele origin: germline.
Comment: In summary, the available evidence is currently insufficient to determine the role of this variant in disease. Therefore, it has been classified as a Variant of Uncertain Significance. Advanced modeling of protein sequence and biophysical properties (such as structural, functional, and spatial information, amino acid conservation, physicochemical variation, residue mobility, and thermodynamic stability) has been performed at Invitae for this missense variant, however the output from this modeling did not meet the statistical confidence thresholds required to predict the impact of this variant on ANKRD1 protein function. This variant has not been reported in the literature in individuals affected with ANKRD1-related conditions. This variant is not present in population databases (gnomAD no frequency). This sequence change replaces leucine, which is neutral and non-polar, with phenylalanine, which is neutral and non-polar, at codon 238 of the ANKRD1 protein (p.Leu238Phe).

NM_014391.3(ANKRD1):c.712C>T (p.Leu238Phe)

Gene: ANKRD1 (ankyrin repeat domain 1; minus strand). Cytogenetic location: 10q23.31.
Variant type: single nucleotide variant.
Coding change: c.712C>T on transcript NM_014391.3 (MANE Select); coding-DNA position 712, C replaced by T.
Protein change: p.Leu238Phe; replaces leucine 238 with phenylalanine.
Molecular consequence: missense variant.
Genome position (GRCh38, 1-based): chr10:90,915,820, G>A on the plus strand (C>T on the coding strand, the complement: ANKRD1 is on the minus strand). VCF-style: chr10-90915820-G-A. GRCh37 (hg19) VCF-style: chr10-92675577-G-A.
Other names: short protein forms L238F.
Identifiers: ClinVar variation 2747579 (VCV002747579.3), dbSNP rs867923601, ClinGen allele CA211421654.